The following is an entry in ClinVar:

NM_000428.3(LTBP2):c.4457C>T (p.Ala1486Val)

Gene: LTBP2 (latent transforming growth factor beta binding protein 2; minus strand). Cytogenetic location: 14q24.3.
Variant type: single nucleotide variant.
Coding change: c.4457C>T on transcript NM_000428.3 (MANE Select); coding-DNA position 4457, C replaced by T.
Protein change: p.Ala1486Val; replaces alanine 1486 with valine.
Molecular consequence: missense variant.
Genome position (GRCh38, 1-based): chr14:74,504,051, G>A on the plus strand (C>T on the coding strand, the complement: LTBP2 is on the minus strand). VCF-style: chr14-74504051-G-A. GRCh37 (hg19) VCF-style: chr14-74970754-G-A.
Other names: short protein forms A1486V.
Identifiers: ClinVar variation 1425887 (VCV001425887.5), dbSNP rs371257103, ClinGen allele CA7268749.

ClinVar aggregate classification (germline): Uncertain significance (1 of 4 stars; one submission).

Allele frequency attached by ClinVar (database versions not stated): TOPMed 0.00004; ExAC 0.00007.
gnomAD v4.1: 95 of 1,613,620 alleles (0.0059%); highest among the groups gnomAD compares: South Asian, 0.044%; no homozygotes.

Submission:

Labcorp Genetics (formerly Invitae), Labcorp
Classification: Uncertain significance. Last evaluated: 2022-08-16. Review status: criteria provided, single submitter. Criteria: Invitae Variant Classification Sherloc (09022015). Collection method: clinical testing. Allele origin: germline.
Comment: This sequence change replaces alanine, which is neutral and non-polar, with valine, which is neutral and non-polar, at codon 1486 of the LTBP2 protein (p.Ala1486Val). This variant is present in population databases (rs371257103, gnomAD 0.04%). This variant has not been reported in the literature in individuals affected with LTBP2-related conditions. ClinVar contains an entry for this variant (Variation ID: 1425887). Algorithms developed to predict the effect of missense changes on protein structure and function (SIFT, PolyPhen-2, Align-GVGD) all suggest that this variant is likely to be disruptive. In summary, the available evidence is currently insufficient to determine the role of this variant in disease. Therefore, it has been classified as a Variant of Uncertain Significance.